The following is an entry in ClinVar:

NM_000264.5(PTCH1):c.1579C>T (p.Gln527Ter)

Gene: PTCH1 (patched 1; minus strand). Cytogenetic location: 9q22.32.
Variant type: single nucleotide variant.
Coding change: c.1579C>T on transcript NM_000264.5 (MANE Select); coding-DNA position 1579, C replaced by T.
Protein change: p.Gln527Ter; replaces glutamine 527 with a stop codon.
Molecular consequence: nonsense. On other transcripts: non-coding transcript variant (1).
Genome position (GRCh38, 1-based): chr9:95,476,782, G>A on the plus strand (C>T on the coding strand, the complement: PTCH1 is on the minus strand). VCF-style: chr9-95476782-G-A. GRCh37 (hg19) VCF-style: chr9-98239064-G-A.
Other names: c.1381C>T, p.Gln461Ter (NM_001083602.3); c.1576C>T, p.Gln526Ter (NM_001083603.3); c.1126C>T, p.Gln376Ter (NM_001083604.3, NM_001083605.3, NM_001083606.3 and 1 more transcripts); c.1423C>T, p.Gln475Ter (NM_001354918.2); short protein forms Q461*, Q527*, Q526*, Q376*, Q475*.
Identifiers: ClinVar variation 520981 (VCV000520981.12), dbSNP rs1554698260, ClinGen allele CA374118196.

ClinVar aggregate classification (germline): Pathogenic. Review status: criteria provided, multiple submitters, no conflicts (2 of 4 stars). 3 submissions from 3 submitters: Pathogenic (3). Last evaluated 2025-02-19.

Conditions:
Inborn genetic diseases. Identifiers: MedGen C0950123, MeSH D030342.
Gorlin syndrome. Also called: Nevoid Basal Cell Carcinoma Syndrome; Basal cell nevus syndrome. Identifiers: Orphanet 377, MedGen C0004779, MONDO:0007187.

Submissions (3):

Labcorp Genetics (formerly Invitae), Labcorp
Classification: Pathogenic for Gorlin syndrome. Last evaluated: 2025-02-19. Review status: criteria provided, single submitter. Criteria: Invitae Variant Classification Sherloc (09022015). Collection method: clinical testing. Allele origin: germline.
Comment: This sequence change creates a premature translational stop signal (p.Gln527*) in the PTCH1 gene. It is expected to result in an absent or disrupted protein product. Loss-of-function variants in PTCH1 are known to be pathogenic (PMID: 16301862, 16419085). This variant is not present in population databases (gnomAD no frequency). This variant has not been reported in the literature in individuals affected with PTCH1-related conditions. ClinVar contains an entry for this variant (Variation ID: 520981). For these reasons, this variant has been classified as Pathogenic.

Mendelics
Classification: Pathogenic for Basal cell nevus syndrome 1. Last evaluated: 2019-05-28. Review status: criteria provided, single submitter. Criteria: Mendelics Assertion Criteria 2017. Collection method: clinical testing. Allele origin: unknown.

Ambry Genetics
Classification: Pathogenic for Inborn genetic diseases. Last evaluated: 2016-03-03. Review status: criteria provided, single submitter. Criteria: Ambry exome assertion method (8-5-2015). Collection method: clinical testing. Allele origin: germline. Affected: yes. Observed: 1 variant allele.

Literature cited by the submitters: PubMed 16301862 (cited by Labcorp Genetics (formerly Invitae), Labcorp); PubMed 16419085 (cited by Labcorp Genetics (formerly Invitae), Labcorp).